The following is an entry in ClinVar:

NM_001457.4(FLNB):c.1094A>C (p.Glu365Ala)

Gene: FLNB (filamin B; plus strand). Cytogenetic location: 3p14.3.
Variant type: single nucleotide variant.
Coding change: c.1094A>C on transcript NM_001457.4 (MANE Select); coding-DNA position 1094, A replaced by C.
Protein change: p.Glu365Ala; replaces glutamic acid 365 with alanine.
Molecular consequence: missense variant.
Genome position (GRCh38, 1-based): chr3:58,097,924, A>C. VCF-style: chr3-58097924-A-C. GRCh37 (hg19) VCF-style: chr3-58083651-A-C.
Other names: c.1094A>C, p.Glu365Ala (NM_001164317.2, NM_001164318.2, NM_001164319.2); short protein forms E365A.
Identifiers: ClinVar variation 2005723 (VCV002005723.4), dbSNP rs2471050704, ClinGen allele CA353335794.
Genomic context (GRCh38, chr3:58,097,924, plus strand): 5'-TGAGTGTTGACAAGGCCCAGGGAGATGCCAGTAAAGTCACTGCAAAAGGTCCAGGGTTGG[A>C]AGCTGTAGGGAACATCGCCAATAAGCCCACCTACTTTGACATCTATACGGCAGGTAACGT-3'
Protein context (NP_001448.2, residues 355-375): SKVTAKGPGL[Glu365Ala]AVGNIANKPT

ClinVar aggregate classification (germline): Uncertain significance (1 of 4 stars; one submission).

Submission:

Labcorp Genetics (formerly Invitae), Labcorp
Classification: Uncertain significance. Last evaluated: 2022-06-24. Review status: criteria provided, single submitter. Criteria: Invitae Variant Classification Sherloc (09022015). Collection method: clinical testing. Allele origin: germline.
Comment: In summary, the available evidence is currently insufficient to determine the role of this variant in disease. Therefore, it has been classified as a Variant of Uncertain Significance. Advanced modeling of protein sequence and biophysical properties (such as structural, functional, and spatial information, amino acid conservation, physicochemical variation, residue mobility, and thermodynamic stability) performed at Invitae indicates that this missense variant is not expected to disrupt FLNB protein function. This variant has not been reported in the literature in individuals affected with FLNB-related conditions. This variant is not present in population databases (gnomAD no frequency). This sequence change replaces glutamic acid, which is acidic and polar, with alanine, which is neutral and non-polar, at codon 365 of the FLNB protein (p.Glu365Ala).